The following is an entry in ClinVar:

ClinVar aggregate classification (germline): Pathogenic. Review status: criteria provided, multiple submitters, no conflicts (2 of 4 stars). 5 submissions from 5 submitters: Pathogenic (5). Last evaluated 2024-10-09.

Conditions:
COL7A1-related disorder. Also called: COL7A1-related condition; COL7A1- related disorders.
Epidermolysis bullosa dystrophica. Also called: Dystrophic epidermolysis bullosa, Hallopeau-Siemens type (formerly); Dystrophic epidermolysis bullosa. Identifiers: Orphanet 303, MedGen C0079294, MONDO:0006543.
Recessive dystrophic epidermolysis bullosa (RDEB). Also called: EPIDERMOLYSIS BULLOSA DYSTROPHICA, GENERALIZED SEVERE, AUTOSOMAL RECESSIVE; Hallopeau-Siemens Disease; severe generalized recessive dystrophic epidermolysis bullosa; epidermolysis bullosa dystrophica, autosomal recessive; Recessive DEB (RDEB); DYSTROPHIC EPIDERMOLYSIS BULLOSA, AUTOSOMAL RECESSIVE. Identifiers: Orphanet 79408, Orphanet 79409, MedGen C0079474, MONDO:0009179, OMIM 226600.

Submissions (5):

PreventionGenetics, part of Exact Sciences
Classification: Pathogenic for COL7A1-related condition. Last evaluated: 2024-10-09. Review status: criteria provided, single submitter. Criteria: ACMG Guidelines, 2015. Collection method: clinical testing. Allele origin: germline.
Comment: The COL7A1 c.2305_2314delinsTT variant is predicted to result in a frameshift and premature protein termination (p.Val769Phefs*3). This variant has been reported in individuals with autosomal recessive dystrophic epidermolysis bullosa (Kern et al. 2009. PubMed ID: 19681861; Table S6, Rossi et al. 2021. PubMed ID: 33274474). This variant has not been reported in a large population database (gnomAD), indicating this variant is rare. Frameshift variants in COL7A1 are expected to be pathogenic. This variant is interpreted as pathogenic.

Women's Health and Genetics/Laboratory Corporation of America, LabCorp
Classification: Pathogenic for Dystrophic Epidermolysis Bullosa, Recessive. Last evaluated: 2024-08-21. Review status: criteria provided, single submitter. Criteria: LabCorp Variant Classification Summary - May 2015. Collection method: clinical testing. Allele origin: germline.
Comment: Variant summary: COL7A1 c.2305_2314delinsTT (p.Val769PhefsX3) results in a premature termination codon, predicted to cause a truncation of the encoded protein or absence of the protein due to nonsense mediated decay, which are commonly known mechanisms for disease. The variant was absent in 31318 control chromosomes. c.2305_2314delinsTT has been reported in the literature in individuals affected with Dystrophic Epidermolysis Bullosa, Recessive (example: Kern_2009). The following publication have been ascertained in the context of this evaluation (PMID: 19681861). ClinVar contains an entry for this variant (Variation ID: 965813). Based on the evidence outlined above, the variant was classified as pathogenic.

Labcorp Genetics (formerly Invitae), Labcorp
Classification: Pathogenic. Last evaluated: 2023-12-20. Review status: criteria provided, single submitter. Criteria: Invitae Variant Classification Sherloc (09022015). Collection method: clinical testing. Allele origin: germline.
Comment: This sequence change creates a premature translational stop signal (p.Val769Phefs*3) in the COL7A1 gene. It is expected to result in an absent or disrupted protein product. Loss-of-function variants in COL7A1 are known to be pathogenic (PMID: 16971478). Information on the frequency of this variant in the gnomAD database is not available, as this variant may be reported differently in the database. This premature translational stop signal has been observed in individual(s) with autosomal recessive dystrophic epidermolysis bullosa (PMID: 19681861, 26148662). This variant is also known as c.2035_14del10Ins2. For these reasons, this variant has been classified as Pathogenic.

GeneDx
Classification: Pathogenic. Last evaluated: 2021-11-22. Review status: criteria provided, single submitter. Criteria: GeneDx Variant Classification Process June 2021. Collection method: clinical testing. Allele origin: germline. Affected: yes.
Comment: Frame-shift variant predicted to result in protein truncation or nonsense mediated decay in a gene for which loss-of-function is a known mechanism of disease; Not observed in large population cohorts (gnomAD); In silico analysis, which includes splice predictors, also supports a deleterious effect; This variant is associated with the following publications: (PMID: 19681861, 26148662, 33274474)

Biomedical Innovation Departament, CIEMAT
Classification: Pathogenic for Dystrophic epidermolysis bullosa. Last evaluated: 2018-03-26. Review status: criteria provided, single submitter. Criteria: ACMG Guidelines, 2015. Collection method: research. Allele origin: germline. Affected: yes. Observed: 2 variant alleles.

Literature cited by the submitters: PubMed 19681861 (cited by 3 submitters); PubMed 16971478 (cited by Labcorp Genetics (formerly Invitae), Labcorp); PubMed 26148662 (cited by Labcorp Genetics (formerly Invitae), Labcorp).

NM_000094.4(COL7A1):c.2305_2314delinsTT (p.Val769fs)

Gene: COL7A1 (collagen type VII alpha 1 chain; minus strand). Cytogenetic location: 3p21.31.
Variant type: Indel.
Coding change: c.2305_2314delinsTT on transcript NM_000094.4 (MANE Select); coding-DNA positions 2305 to 2314, GTGAGGACTG replaced by TT.
Protein change: p.Val769fs; shifts the reading frame from valine 769.
Molecular consequence: frameshift variant.
Genome position (GRCh38, 1-based): chr3:48,589,327-48,589,336, CAGTCCTCAC replaced by AA on the plus strand (GTGAGGACTG replaced by TT on the coding strand, the reverse complement: COL7A1 is on the minus strand). VCF-style: chr3-48589327-CAGTCCTCAC-AA. GRCh37 (hg19) VCF-style: chr3-48626760-CAGTCCTCAC-AA.
Other names: c.2305_2314delGTGAGGACTGinsTT (NM_000094.3); short protein forms V769fs.
Identifiers: ClinVar variation 965813 (VCV000965813.12), dbSNP rs2045526309, ClinGen allele CA1139655783.